The following is an entry in ClinVar:

NM_024422.6(DSC2):c.1953A>G (p.Thr651=)

Gene: DSC2 (desmocollin 2; minus strand). Cytogenetic location: 18q12.1.
Variant type: single nucleotide variant.
Coding change: c.1953A>G on transcript NM_024422.6 (MANE Select); coding-DNA position 1953, A replaced by G.
Protein change: p.Thr651=; no amino-acid change (threonine 651 retained).
Molecular consequence: synonymous variant.
Genome position (GRCh38, 1-based): chr18:31,071,777, T>C on the plus strand (A>G on the coding strand, the complement: DSC2 is on the minus strand). VCF-style: chr18-31071777-T-C. GRCh37 (hg19) VCF-style: chr18-28651743-T-C.
Other names: c.1524A>G, p.Thr508= (NM_001406506.1, NM_001406507.1); c.1953A>G, p.Thr651= (NM_004949.5).
Identifiers: ClinVar variation 2775176 (VCV002775176.2), dbSNP rs562928418, ClinGen allele CA034062.

ClinVar aggregate classification (germline): Uncertain significance (1 of 4 stars; one submission).

Conditions:
Cardiomyopathy (CMYO). Also called: Cardiomyopathies. Identifiers: Orphanet 167848, MedGen C0878544, MONDO:0004994, HP:0001638. Inheritance: Various modes of inheritance.

Allele frequency attached by ClinVar (database versions not stated): gnomAD exomes below 0.00001; gnomAD 0.00001; ExAC 0.00002; 1000 Genomes Project 30x 0.00016; 1000 Genomes Project 0.00020.
gnomAD v4.1: 4 of 1,614,074 alleles (0.00025%); highest among the groups gnomAD compares: South Asian, 0.0022%; no homozygotes.

Submission:

Color Diagnostics, LLC DBA Color Health
Classification: Uncertain significance for Cardiomyopathy. Last evaluated: 2022-06-07. Review status: criteria provided, single submitter. Criteria: ACMG Guidelines, 2015. Collection method: clinical testing. Allele origin: germline.
Comment: This synonymous variant in the DSC2 gene is predicted to affect RNA splicing. To our knowledge, functional studies have not been reported for this variant. This variant has not been reported in individuals affected with cardiovascular disorders in the literature. This variant has been identified in 2/250728 chromosomes in the general population by the Genome Aggregation Database (gnomAD). The available evidence is insufficient to determine the role of this variant in disease conclusively. Therefore, this variant is classified as a Variant of Uncertain Significance.